The following is an entry in ClinVar:

NM_023036.6(DNAI2):c.691G>A (p.Val231Ile)

Gene: DNAI2 (dynein axonemal intermediate chain 2; plus strand). Cytogenetic location: 17q25.1.
Variant type: single nucleotide variant.
Coding change: c.691G>A on transcript NM_023036.6 (MANE Select); coding-DNA position 691, G replaced by A.
Protein change: p.Val231Ile; replaces valine 231 with isoleucine.
Molecular consequence: missense variant. On other transcripts: non-coding transcript variant (1).
Genome position (GRCh38, 1-based): chr17:74,291,100, G>A. VCF-style: chr17-74291100-G-A. GRCh37 (hg19) VCF-style: chr17-72287239-G-A.
Other names: c.691G>A, p.Val231Ile (NM_001172810.3, NM_001353167.2); short protein forms V231I.
Identifiers: ClinVar variation 2139373 (VCV002139373.2), dbSNP rs767996853, ClinGen allele CA8745448.

ClinVar aggregate classification (germline): Conflicting classifications of pathogenicity. Review status: criteria provided, conflicting classifications (1 of 4 stars). 2 submissions from 2 submitters: Uncertain significance (1); Likely benign (1). Last evaluated 2022-10-24.

Conditions:
Primary ciliary dyskinesia. Also called: Ciliary dyskinesia. Identifiers: Orphanet 244, MedGen C0008780, MONDO:0016575, HP:0012265.

Allele frequency attached by ClinVar (database versions not stated): ExAC 0.00007; gnomAD 0.00009; TOPMed 0.00009; gnomAD exomes 0.00020.
gnomAD v4.1: 312 of 1,614,002 alleles (0.019%); highest among the groups gnomAD compares: Non-Finnish European, 0.024%; 1 homozygote.

Submissions (2):

Blueprint Genetics
Classification: Likely benign. Last evaluated: 2022-10-24. Review status: criteria provided, single submitter. Criteria: ACMG Guidelines, 2015. Collection method: clinical testing. Allele origin: germline.

Labcorp Genetics (formerly Invitae), Labcorp
Classification: Uncertain significance for Primary ciliary dyskinesia. Last evaluated: 2021-11-11. Review status: criteria provided, single submitter. Criteria: Invitae Variant Classification Sherloc (09022015). Collection method: clinical testing. Allele origin: germline.
Comment: This sequence change replaces valine, which is neutral and non-polar, with isoleucine, which is neutral and non-polar, at codon 231 of the DNAI2 protein (p.Val231Ile). This variant is present in population databases (rs767996853, gnomAD 0.02%). This variant has not been reported in the literature in individuals affected with DNAI2-related conditions. Algorithms developed to predict the effect of missense changes on protein structure and function output the following: SIFT: "Tolerated"; PolyPhen-2: "Benign"; Align-GVGD: "Class C0". The isoleucine amino acid residue is found in multiple mammalian species, which suggests that this missense change does not adversely affect protein function. In summary, the available evidence is currently insufficient to determine the role of this variant in disease. Therefore, it has been classified as a Variant of Uncertain Significance.